The following is an entry in ClinVar:

NM_000059.4(BRCA2):c.4139_4140dup (p.Lys1381fs)

Gene: BRCA2 (BRCA2 DNA repair associated; plus strand). Cytogenetic location: 13q13.1.
Variant type: Duplication.
Coding change: c.4139_4140dup on transcript NM_000059.4 (MANE Select); coding-DNA positions 4139 to 4140, 2 bases duplicated (TT; older notation c.4139_4140dupTT).
Protein change: p.Lys1381fs; shifts the reading frame from lysine 1381.
Molecular consequence: frameshift variant.
Genome position (GRCh38, 1-based): chr13:32,338,494-32,338,495, TT duplicated. VCF-style (leftmost placement, unchanged base first): chr13-32338493-A-ATT. GRCh37 (hg19) VCF-style: chr13-32912630-A-ATT.
Other names: 4366insTT; c.4139_4140dupTT (NM_000059.3); short protein forms K1381fs.
Identifiers: ClinVar variation 51605 (VCV000051605.24), dbSNP rs276174842, ClinGen allele CA019589.
Genomic context (GRCh38, chr13:32,338,493, plus strand): 5'-GATCAGCACAACATATGTCTTAAATTATCTGGCCAGTTTATGAAGGAGGGAAACACTCAG[A>ATT]TTAAAGAAGATTTGTCAGATTTAACTTTTTTGGAAGTTGCGAAAGCTCAAGAAGCATGTC-3'

ClinVar aggregate classification (germline): Pathogenic. Review status: reviewed by expert panel (3 of 4 stars). 13 submissions from 13 submitters: Pathogenic (1). 12 of the submissions do not count toward it. Last evaluated 2016-09-08.

Conditions:
Hereditary cancer-predisposing syndrome. Also called: Tumor predisposition; Neoplastic Syndromes, Hereditary; Hereditary Cancer Syndrome; Hereditary neoplastic syndrome. Identifiers: Orphanet 140162, MedGen C0027672, MeSH D009386, MONDO:0015356.
Hereditary breast ovarian cancer syndrome. Also called: Hereditary breast and ovarian cancer syndrome (HBOC); Hereditary breast and ovarian cancer syndrome; Hereditary breast and ovarian cancer; Hereditary breast and/or ovarian cancer syndrome; Breast and ovarian cancer; BRCA1- and BRCA2-Associated Hereditary Breast and Ovarian Cancer. Identifiers: Orphanet 145, MedGen C0677776, MeSH D061325, MONDO:0003582. Disease mechanism: loss of function.
Breast-ovarian cancer, familial, susceptibility to, 2 (BROVCA2). Also called: BRCA2 Hereditary Breast and Ovarian Cancer. Identifiers: Orphanet 145, MedGen C2675520, MONDO:0012933, OMIM 612555. Disease mechanism: loss of function.
Breast-ovarian cancer, familial, susceptibility to, 1 (BROVCA1). Also called: OVARIAN CANCER, SUSCEPTIBILITY TO; BRCA1 Hereditary Breast and Ovarian Cancer. Identifiers: Orphanet 145, MedGen C2676676, MONDO:0011450, OMIM 604370. Disease mechanism: loss of function.
Familial cancer of breast. Also called: Hereditary breast cancer; hereditary breast carcinoma; BREAST CANCER, FAMILIAL. Identifiers: Orphanet 227535, MedGen C0346153, MONDO:0016419, OMIM 114480. Disease mechanism: loss of function.

Submissions (13):

Evidence-based Network for the Interpretation of Germline Mutant Alleles (ENIGMA)
Classification: Pathogenic for Breast-ovarian cancer, familial, susceptibility to, 2. Last evaluated: 2016-09-08. Review status: reviewed by expert panel. Criteria: ENIGMA BRCA1/2 Classification Criteria (2015). Collection method: curation. Allele origin: germline.
Comment: Variant allele predicted to encode a truncated non-functional protein.

GeneKor MSA
Classification: Pathogenic for Hereditary breast ovarian cancer syndrome. Last evaluated: 2025-05-15. Review status: criteria provided, single submitter. Criteria: ACMG Guidelines, 2015. Collection method: clinical testing. Allele origin: germline. Affected: yes. Not counted in ClinVar's aggregate classification.
Comment: This variant is a duplication of 2 nucleotides in exon 11 of the BRCA2 mRNA c.(4139_4140dup), causing a frameshift after codon 1381 and the creation of a premature translation stop signal 8 amino acid residues later, p.(Lys1381Leufs*8). This is expected to result in an absent or disrupted protein product. Truncating variants in BRCA2 are known to be pathogenic (PMID:20104584). This variant is not present in population databases (rs276174842). ClinVar contains entries for this variant where it is listed as pathogenic (VCV000051605.22). Based on the classification criteria set by the ACMG and AMP (PMID:25741868) this variant has been classified as pathogenic.

Center for Genomic Medicine, Rigshospitalet, Copenhagen University Hospital
Classification: Pathogenic. Last evaluated: 2025-03-04. Review status: criteria provided, single submitter. Criteria: ACMG Guidelines, 2015. Collection method: clinical testing. Allele origin: germline. Not counted in ClinVar's aggregate classification.

Labcorp Genetics (formerly Invitae), Labcorp
Classification: Pathogenic for Hereditary breast ovarian cancer syndrome. Last evaluated: 2024-06-25. Review status: criteria provided, single submitter. Criteria: Invitae Variant Classification Sherloc (09022015). Collection method: clinical testing. Allele origin: germline. Not counted in ClinVar's aggregate classification.
Comment: This sequence change creates a premature translational stop signal (p.Lys1381Leufs*8) in the BRCA2 gene. It is expected to result in an absent or disrupted protein product. Loss-of-function variants in BRCA2 are known to be pathogenic (PMID: 20104584). This variant is not present in population databases (gnomAD no frequency). This variant has not been reported in the literature in individuals affected with BRCA2-related conditions. ClinVar contains an entry for this variant (Variation ID: 51605). For these reasons, this variant has been classified as Pathogenic.

Baylor Genetics
Classification: Pathogenic for Familial cancer of breast. Last evaluated: 2024-02-12. Review status: criteria provided, single submitter. Criteria: ACMG Guidelines, 2015. Collection method: clinical testing. Allele origin: unknown. Not counted in ClinVar's aggregate classification.

Clinical Genetics Laboratory, Skane University Hospital Lund
Classification: Pathogenic. Last evaluated: 2024-02-02. Review status: criteria provided, single submitter. Criteria: ACMG Guidelines, 2015. Collection method: clinical testing. Allele origin: germline. Affected: yes. Not counted in ClinVar's aggregate classification.

Ambry Genetics
Classification: Pathogenic for Hereditary cancer-predisposing syndrome. Last evaluated: 2024-01-05. Review status: criteria provided, single submitter. Criteria: Ambry Variant Classification Scheme 2023. Collection method: clinical testing. Allele origin: germline. Not counted in ClinVar's aggregate classification.
Comment: The c.4139_4140dupTT pathogenic mutation, located in coding exon 10 of the BRCA2 gene, results from a duplication of TT at nucleotide position 4139, causing a translational frameshift with a predicted alternate stop codon (p.K1381Lfs*8). This alteration is expected to result in loss of function by premature protein truncation or nonsense-mediated mRNA decay. As such, this alteration is interpreted as a disease-causing mutation.

Women's Health and Genetics/Laboratory Corporation of America, LabCorp
Classification: Pathogenic for Hereditary breast ovarian cancer syndrome. Last evaluated: 2022-04-09. Review status: criteria provided, single submitter. Criteria: LabCorp Variant Classification Summary - May 2015. Collection method: clinical testing. Allele origin: germline. Not counted in ClinVar's aggregate classification.
Comment: Variant summary: BRCA2 c.4139_4140dupTT (p.Lys1381LeufsX8) results in a premature termination codon, predicted to cause a truncation of the encoded protein or absence of the protein due to nonsense mediated decay, which are commonly known mechanisms for disease. Truncations downstream of this position have been classified as pathogenic by our laboratory. The variant was absent in 245762 control chromosomes. c.4139_4140dupTT has been reported in the literature in individuals affected with Hereditary Breast And Ovarian Cancer Syndrome (example, Laitman_2019, Gomjec_2019). Multiple clinical diagnostic laboratories and an expert panel (ENIGMA) have submitted clinical-significance assessments for this variant to ClinVar after 2014 without evidence for independent evaluation. All submitters classified the variant as pathogenic. Based on the evidence outlined above, the variant was classified as pathogenic.

Department of Molecular Diagnostics, Institute of Oncology Ljubljana
Classification: Pathogenic for Breast-ovarian cancer, familial, susceptibility to, 1. Last evaluated: 2020-04-02. Review status: criteria provided, single submitter. Criteria: ACMG Guidelines, 2015. Collection method: clinical testing. Allele origin: germline. Affected: yes. Not counted in ClinVar's aggregate classification.

Quest Diagnostics Nichols Institute San Juan Capistrano
Classification: Pathogenic. Last evaluated: 2018-06-28. Review status: criteria provided, single submitter. Criteria: Quest Diagnostics criteria. Collection method: clinical testing. Allele origin: germline. Not counted in ClinVar's aggregate classification.

GeneDx
Classification: Pathogenic. Last evaluated: 2015-08-10. Review status: criteria provided, single submitter. Criteria: GeneDx Variant Classification (06012015). Collection method: clinical testing. Allele origin: germline. Affected: yes. Not counted in ClinVar's aggregate classification.
Comment: This duplication of 2 nucleotides in BRCA2 is denoted c.4139_4140dupTT at the cDNA level and p.Lys1381LeufsX8 (K1381LfsX8) at the protein level. The normal sequence, with the bases that are duplicated in braces, is CAGA[TT]AAAG. The duplication causes a frameshift, which changes a Lysine to a Leucine at codon 1381, and creates a premature stop codon at position 8 of the new reading frame. This variant is predicted to cause loss of normal protein function through either protein truncation or nonsense-mediated mRNA decay. BRCA2 c.4139_4140dupTT has been reported in at least one family with multiple cases of breast cancer (Levanat 2012). we consider this variant to be pathogenic.

BRCAlab, Lund University
Classification: Pathogenic for Breast-ovarian cancer, familial, susceptibility to, 2. Last evaluated: 2020-03-02. Review status: no assertion criteria provided. Collection method: clinical testing. Allele origin: germline. Affected: yes. Not counted in ClinVar's aggregate classification.

Breast Cancer Information Core (BIC) (BRCA2)
Classification: Pathogenic for Breast-ovarian cancer, familial 2. Last evaluated: 2010-12-30. Review status: no assertion criteria provided. Collection method: clinical testing. Allele origin: germline. Affected: yes. Observed: 1 variant allele. Not counted in ClinVar's aggregate classification.

Literature cited by the submitters: PubMed 20104584 (cited by GeneKor MSA and Labcorp Genetics (formerly Invitae), Labcorp); PubMed 30940100 (cited by Center for Genomic Medicine, Rigshospitalet, Copenhagen University Hospital and Women's Health and Genetics/Laboratory Corporation of America, LabCorp); PubMed 31209999 (cited by Center for Genomic Medicine, Rigshospitalet, Copenhagen University Hospital and Women's Health and Genetics/Laboratory Corporation of America, LabCorp).